The following is an entry in ClinVar:

NM_000093.5(COL5A1):c.2232+36C>T

Gene: COL5A1 (collagen type V alpha 1 chain; plus strand). Cytogenetic location: 9q34.3.
Variant type: single nucleotide variant.
Coding change: c.2232+36C>T on transcript NM_000093.5 (MANE Select); 36 bases into the intron after coding-DNA position 2232, C replaced by T.
Molecular consequence: intron variant.
Genome position (GRCh38, 1-based): chr9:134,767,390, C>T. VCF-style: chr9-134767390-C-T. GRCh37 (hg19) VCF-style: chr9-137659236-C-T.
Other names: c.2232+36C>T (NM_001278074.1).
Identifiers: ClinVar variation 255061 (VCV000255061.4), dbSNP rs45622539, ClinGen allele CA5319220.

ClinVar aggregate classification (germline): Benign. Review status: criteria provided, multiple submitters, no conflicts (2 of 4 stars). 5 submissions from 4 submitters: Benign (5). Last evaluated 2022-03-15.

Conditions:
Fibromuscular dysplasia, multifocal. Identifiers: MedGen C5543412, MONDO:0859151, OMIM 619329.
Ehlers-Danlos syndrome, classic type, 1 (EDSCL1). Also called: Ehlers-Danlos Syndrome, Classic Type, COL5A1-Related; EHLERS-DANLOS SYNDROME, GRAVIS TYPE; EHLERS-DANLOS SYNDROME, SEVERE CLASSIC TYPE; Ehlers-Danlos syndrome, type 1; EDS I. Identifiers: MedGen C0268335, MONDO:0019567, OMIM 130000.

Allele frequency attached by ClinVar (database versions not stated): TOPMed 0.02323; 1000 Genomes Project 0.03055; gnomAD 0.02501 and 0.02468; 1000 Genomes Project 30x 0.03154; gnomAD exomes 0.02641; ExAC 0.02732; ESP Exome Variant Server 0.02330.
gnomAD v4.1: 40,788 of 1,598,972 alleles (2.6%); highest among the groups gnomAD compares: East Asian, 4.1%; 582 homozygotes.

Submissions (5):

Genome-Nilou Lab
Classification: Benign for Ehlers-Danlos syndrome, classic type, 1. Last evaluated: 2022-03-15. Review status: criteria provided, single submitter. Criteria: ACMG Guidelines, 2015. Collection method: clinical testing. Allele origin: germline. Affected: no.

Genome-Nilou Lab
Classification: Benign for Fibromuscular dysplasia, multifocal. Last evaluated: 2022-03-15. Review status: criteria provided, single submitter. Criteria: ACMG Guidelines, 2015. Collection method: clinical testing. Allele origin: germline. Affected: no.

GeneDx
Classification: Benign. Last evaluated: 2018-06-19. Review status: criteria provided, single submitter. Criteria: GeneDx Variant Classification (06012015). Collection method: clinical testing. Allele origin: germline. Affected: yes.
Comment: This variant is considered likely benign or benign based on one or more of the following criteria: it is a conservative change, it occurs at a poorly conserved position in the protein, it is predicted to be benign by multiple in silico algorithms, and/or has population frequency not consistent with disease.

Breakthrough Genomics
Classification: Benign. Review status: criteria provided, single submitter. Criteria: ACMG Guidelines, 2015. Collection method: not provided. Allele origin: germline. Inheritance: Autosomal dominant inheritance. Affected: yes.

PreventionGenetics, part of Exact Sciences
Classification: Benign. Review status: criteria provided, single submitter. Criteria: ACMG Guidelines, 2015. Collection method: clinical testing. Allele origin: germline.